The following is an entry in ClinVar:

ClinVar aggregate classification (germline): Uncertain significance (1 of 4 stars; one submission).

gnomAD v4.1: 2 of 1,613,276 alleles (0.00012%); highest among the groups gnomAD compares: South Asian, 0.0011%; no homozygotes.

Submission:

Labcorp Genetics (formerly Invitae), Labcorp
Classification: Uncertain significance. Last evaluated: 2022-06-09. Review status: criteria provided, single submitter. Criteria: Invitae Variant Classification Sherloc (09022015). Collection method: clinical testing. Allele origin: germline.
Comment: This sequence change replaces arginine, which is basic and polar, with leucine, which is neutral and non-polar, at codon 344 of the LAMC3 protein (p.Arg344Leu). This variant is not present in population databases (gnomAD no frequency). This variant has not been reported in the literature in individuals affected with LAMC3-related conditions. Algorithms developed to predict the effect of missense changes on protein structure and function are either unavailable or do not agree on the potential impact of this missense change (SIFT: "Deleterious"; PolyPhen-2: "Probably Damaging"; Align-GVGD: "Class C15"). In summary, the available evidence is currently insufficient to determine the role of this variant in disease. Therefore, it has been classified as a Variant of Uncertain Significance.

NM_006059.4(LAMC3):c.1031G>T (p.Arg344Leu)

Gene: LAMC3 (laminin subunit gamma 3; plus strand). Cytogenetic location: 9q34.12.
Variant type: single nucleotide variant.
Coding change: c.1031G>T on transcript NM_006059.4 (MANE Select); coding-DNA position 1031, G replaced by T.
Protein change: p.Arg344Leu; replaces arginine 344 with leucine.
Molecular consequence: missense variant.
Genome position (GRCh38, 1-based): chr9:131,038,918, G>T. VCF-style: chr9-131038918-G-T. GRCh37 (hg19) VCF-style: chr9-133914305-G-T.
Other names: short protein forms R344L.
Identifiers: ClinVar variation 2003778 (VCV002003778.1), dbSNP rs143795459, ClinGen allele CA375258614.
Genomic context (GRCh38, chr9:131,038,918, plus strand): 5'-CCATAGCCTGCAACTGCAGTGGCCGCTCCGAGGAATGCACGTTTGATCGGGAGCTCTTCC[G>T]CAGCACAGGCCACGGCGGGCGCTGTCACCACTGCCGTGACCACACAGCTGGGCCACACTG-3'
Protein context (NP_006050.3, residues 334-354): EECTFDRELF[Arg344Leu]STGHGGRCHH